The following is an entry in ClinVar:

NM_001243133.2(NLRP3):c.907G>C (p.Asp303His)

Gene: NLRP3 (NLR family pyrin domain containing 3; plus strand). Cytogenetic location: 1q44.
Variant type: single nucleotide variant.
Coding change: c.907G>C on transcript NM_001243133.2 (MANE Select); coding-DNA position 907, G replaced by C.
Protein change: p.Asp303His; replaces aspartic acid 303 with histidine.
Molecular consequence: missense variant.
Genome position (GRCh38, 1-based): chr1:247,424,356, G>C. VCF-style: chr1-247424356-G-C. GRCh37 (hg19) VCF-style: chr1-247587658-G-C.
Other names: c.907G>C, p.Asp303His (NM_001079821.3, NM_001127461.3, NM_001127462.3 and 1 more transcripts); c.913G>C, p.Asp305His (NM_004895.5); short protein forms D305H, D303H.
Identifiers: ClinVar variation 97979 (VCV000097979.3), dbSNP rs121908153, ClinGen allele CA281391.

ClinVar aggregate classification (germline): Pathogenic. Review status: criteria provided, single submitter (1 of 4 stars). 2 submissions from 2 submitters: Pathogenic (1). 1 of the submissions does not count toward it. Last evaluated 2024-02-06.

Conditions:
Cryopyrin associated periodic syndrome (CAPS). Identifiers: Orphanet 208650, MedGen C2316212, MONDO:0016168.
Familial cold autoinflammatory syndrome 1 (FCAS1). Also called: Familial cold inflammatory syndrome 1; CRYOPYRIN-ASSOCIATED PERIODIC SYNDROME 1. Identifiers: Orphanet 47045, MedGen C4551895, MONDO:0007349, OMIM 120100.

Submissions (2):

Labcorp Genetics (formerly Invitae), Labcorp
Classification: Pathogenic for Cryopyrin associated periodic syndrome. Last evaluated: 2024-02-06. Review status: criteria provided, single submitter. Criteria: Invitae Variant Classification Sherloc (09022015). Collection method: clinical testing. Allele origin: germline.
Comment: This sequence change replaces aspartic acid, which is acidic and polar, with histidine, which is basic and polar, at codon 305 of the NLRP3 protein (p.Asp305His). This variant is not present in population databases (gnomAD no frequency). This missense change has been observed in individuals with chronic infantile neurological, cutaneous, and articular syndrome or neonatal onset multisystem inflammatory disease (PMID: 18084703, 21702021). This variant is also known as D303H. ClinVar contains an entry for this variant (Variation ID: 97979). Advanced modeling of protein sequence and biophysical properties (such as structural, functional, and spatial information, amino acid conservation, physicochemical variation, residue mobility, and thermodynamic stability) performed at Invitae indicates that this missense variant is expected to disrupt NLRP3 protein function with a positive predictive value of 95%. This variant disrupts the p.Asp305 amino acid residue in NLRP3. Other variant(s) that disrupt this residue have been determined to be pathogenic (PMID: 14630794, 33020839, 34099780). This suggests that this residue is clinically significant, and that variants that disrupt this residue are likely to be disease-causing. For these reasons, this variant has been classified as Pathogenic.

Unité médicale des maladies autoinflammatoires, CHRU Montpellier
No classification provided. Condition: Familial cold urticaria. Review status: no classification provided. Collection method: not provided. Allele origin: unknown. Not counted in ClinVar's aggregate classification.
Comment: also involved in OMIM 191900 and 607115

Literature cited by the submitters: PubMed 18084703 (cited by Labcorp Genetics (formerly Invitae), Labcorp); PubMed 21702021 (cited by Labcorp Genetics (formerly Invitae), Labcorp); PubMed 14630794 (cited by Labcorp Genetics (formerly Invitae), Labcorp); PubMed 33020839 (cited by Labcorp Genetics (formerly Invitae), Labcorp); PubMed 34099780 (cited by Labcorp Genetics (formerly Invitae), Labcorp).